The following is an entry in ClinVar:

NM_004415.4(DSP):c.3253C>T (p.Gln1085Ter)

Gene: DSP (desmoplakin; plus strand). Cytogenetic location: 6p24.3.
Variant type: single nucleotide variant.
Coding change: c.3253C>T on transcript NM_004415.4 (MANE Select); coding-DNA position 3253, C replaced by T.
Protein change: p.Gln1085Ter; replaces glutamine 1085 with a stop codon.
Molecular consequence: nonsense.
Genome position (GRCh38, 1-based): chr6:7,579,443, C>T. VCF-style: chr6-7579443-C-T. GRCh37 (hg19) VCF-style: chr6-7579676-C-T.
Other names: c.3253C>T, p.Gln1085Ter (NM_001008844.3, NM_001319034.2); short protein forms Q1085*.
Identifiers: ClinVar variation 854238 (VCV000854238.8), dbSNP rs1759345923, ClinGen allele CA362683424.

ClinVar aggregate classification (germline): Pathogenic (1 of 4 stars; one submission).

Conditions:
Arrhythmogenic right ventricular dysplasia 8 (ARVD8). Also called: ARRHYTHMOGENIC RIGHT VENTRICULAR DYSPLASIA, FAMILIAL, 8; ARRHYTHMOGENIC RIGHT VENTRICULAR CARDIOMYOPATHY 8; Arrhythmogenic Right Ventricular Dysplasia/Cardiomyopathy 8. Identifiers: MedGen C1843896, MONDO:0011831, OMIM 607450.
Arrhythmogenic cardiomyopathy with wooly hair and keratoderma. Also called: Dilated cardiomyopathy with woolly hair and keratoderma; PALMOPLANTAR KERATODERMA WITH LEFT VENTRICULAR CARDIOMYOPATHY AND WOOLLY HAIR; Carvajal syndrome; Arrhythmogenic cardiomyopathy with woolly hair and keratoderma. Identifiers: Orphanet 65282, MedGen C1854063, MONDO:0011581, OMIM 605676.

Submission:

Labcorp Genetics (formerly Invitae), Labcorp
Classification: Pathogenic for Arrhythmogenic cardiomyopathy with wooly hair and keratoderma; Arrhythmogenic right ventricular dysplasia 8. Last evaluated: 2022-07-26. Review status: criteria provided, single submitter. Criteria: Invitae Variant Classification Sherloc (09022015). Collection method: clinical testing. Allele origin: germline.
Comment: ClinVar contains an entry for this variant (Variation ID: 854238). This sequence change creates a premature translational stop signal (p.Gln1085*) in the DSP gene. It is expected to result in an absent or disrupted protein product. Loss-of-function variants in DSP are known to be pathogenic (PMID: 20716751, 24503780, 25227139). This variant is not present in population databases (gnomAD no frequency). This variant has not been reported in the literature in individuals affected with DSP-related conditions. For these reasons, this variant has been classified as Pathogenic.

Literature cited by the submitters: PubMed 20716751; PubMed 24503780; PubMed 25227139.